The following is an entry in ClinVar:

NM_001042492.3(NF1):c.7223_7225del (p.Arg2408del)

Gene: NF1 (neurofibromin 1; plus strand). Cytogenetic location: 17q11.2.
Variant type: Deletion.
Coding change: c.7223_7225del on transcript NM_001042492.3 (MANE Select); coding-DNA positions 7223 to 7225, 3 bases deleted (GAA; older notation c.7223_7225delGAA).
Protein change: p.Arg2408del; deletes arginine 2408.
Molecular consequence: inframe deletion. On other transcripts: inframe indel (1).
Genome position (GRCh38, 1-based): chr17:31,349,153-31,349,155, GAA deleted; deleting any 3 consecutive bases within chr17:31,349,151-31,349,155 gives the same sequence; the c. name uses the placement nearest the transcript's 3' end. VCF-style (leftmost placement, unchanged base first): chr17-31349150-CAAG-C. GRCh37 (hg19) VCF-style: chr17-29676168-CAAG-C.
Other names: c.7160_7162delGAA, p.Arg2387del (NM_000267.4); short protein forms R2387del, R2408del.
Identifiers: ClinVar variation 3658405 (VCV003658405.2).
Genomic context (GRCh38, chr17:31,349,150, plus strand): 5'-TTTGTTTGTTTGTTTGTTTGTTTTTTGTAGGGTACAGGCATCCTTCACCTGCTATTGTTG[CAAG>C]AACAGTCAGAATTTTACATACACTACTAACTCTGGTTAACAAACACAGAAATTGTGACAA-3'

ClinVar aggregate classification (germline): Uncertain significance (1 of 4 stars; one submission).

Conditions:
Neurofibromatosis, type 1 (NF1). Also called: Peripheral type neurofibromatosis; VON RECKLINGHAUSEN DISEASE; NEUROFIBROMATOSIS, TYPE I, SOMATIC; Neurofibromatosis, type I. Identifiers: Orphanet 636, MedGen C0027831, MONDO:0018975, OMIM 162200. Disease mechanism: loss of function.

Submission:

Labcorp Genetics (formerly Invitae), Labcorp
Classification: Uncertain significance for Neurofibromatosis, type 1. Last evaluated: 2024-07-01. Review status: criteria provided, single submitter. Criteria: Invitae Variant Classification Sherloc (09022015). Collection method: clinical testing. Allele origin: germline.
Comment: This variant, c.7160_7162del, results in the deletion of 1 amino acid(s) of the NF1 protein (p.Arg2387del), but otherwise preserves the integrity of the reading frame. This variant is not present in population databases (gnomAD no frequency). This variant has not been reported in the literature in individuals affected with NF1-related conditions. Experimental studies and prediction algorithms are not available or were not evaluated, and the functional significance of this variant is currently unknown. In summary, the available evidence is currently insufficient to determine the role of this variant in disease. Therefore, it has been classified as a Variant of Uncertain Significance.